The following is an entry in ClinVar:

ClinVar aggregate classification (germline): Uncertain significance (1 of 4 stars; one submission).

Conditions:
Arrhythmogenic right ventricular dysplasia 13. Also called: ARRHYTHMOGENIC RIGHT VENTRICULAR CARDIOMYOPATHY 13; Arrhythmogenic right ventricular dysplasia, familial, 13. Identifiers: MedGen C3810138, MONDO:0000908, OMIM 615616.

Submission:

Labcorp Genetics (formerly Invitae), Labcorp
Classification: Uncertain significance for Arrhythmogenic right ventricular dysplasia 13. Last evaluated: 2024-02-09. Review status: criteria provided, single submitter. Criteria: Invitae Variant Classification Sherloc (09022015). Collection method: clinical testing. Allele origin: germline.
Comment: This sequence change creates a premature translational stop signal (p.Ser2*) in the CTNNA3 gene. It is expected to result in an absent or disrupted protein product. However, the current clinical and genetic evidence is not sufficient to establish whether loss-of-function variants in CTNNA3 cause disease. This variant is not present in population databases (gnomAD no frequency). This variant has not been reported in the literature in individuals affected with CTNNA3-related conditions. In summary, the available evidence is currently insufficient to determine the role of this variant in disease. Therefore, it has been classified as a Variant of Uncertain Significance.

NM_013266.4(CTNNA3):c.5C>G (p.Ser2Ter)

Gene: CTNNA3 (catenin alpha 3; minus strand). Cytogenetic location: 10q21.3.
Variant type: single nucleotide variant.
Coding change: c.5C>G on transcript NM_013266.4 (MANE Select); coding-DNA position 5, C replaced by G.
Protein change: p.Ser2Ter; replaces serine 2 with a stop codon.
Molecular consequence: nonsense.
Genome position (GRCh38, 1-based): chr10:67,647,509, G>C on the plus strand (C>G on the coding strand, the complement: CTNNA3 is on the minus strand). VCF-style: chr10-67647509-G-C. GRCh37 (hg19) VCF-style: chr10-69407267-G-C.
Other names: c.5C>G, p.Ser2Ter (NM_001127384.3); c.41C>G, p.Ser14Ter (NM_001291133.2); short protein forms S14*, S2*.
Identifiers: ClinVar variation 3639854 (VCV003639854.2).